The following is an entry in ClinVar:

ClinVar aggregate classification (germline): Uncertain significance. Review status: criteria provided, multiple submitters, no conflicts (2 of 4 stars). 2 submissions from 2 submitters: Uncertain significance (2). Last evaluated 2024-06-06.

Conditions:
Charcot-Marie-Tooth Disease, axonal, type 2GG (CMT2GG). Also called: Charcot-Marie-Tooth disease dominant intermediate II; Charcot-Marie-Tooth neuropathy, type 2GG; Charcot-Marie-Tooth neuropathy, axonal, type 2GG. Identifiers: Orphanet 100043, MedGen C5561933, MONDO:0011675, OMIM 606483.

Allele frequency attached by ClinVar (database versions not stated): TOPMed 0.00002; ExAC 0.00003; gnomAD 0.00003.
gnomAD v4.1: 15 of 1,603,356 alleles (0.00094%); highest among the groups gnomAD compares: Admixed American, 0.025%; no homozygotes.

Submissions (2):

3billion
Classification: Uncertain significance for Charcot-Marie-Tooth Disease, axonal, type 2GG. Last evaluated: 2024-06-06. Review status: criteria provided, single submitter. Criteria: ACMG Guidelines, 2015. Collection method: clinical testing. Allele origin: germline. Affected: yes.
Comment: The variant is observed at an extremely low frequency in the gnomAD v4.0.0 dataset (total allele frequency: <0.001%). Predicted Consequence/Location: Missense changes are a common disease-causing mechanism. Damaging effect on gene or gene product predicted by in silico programs is uncertain [REVEL: 0.43 (damaging >=0.6, benign <0.4), 3Cnet: 0.25 (damaging >=0.6, benign <0.15)]. A different missense change at the same codon (p.Ala1138Val) has been reported to be associated with GBF1 related disorder (ClinVar ID: VCV000975152 /PMID: 32937143). However the evidence of pathogenicity is insufficient at this time. Therefore, this variant is classified as VUS according to the recommendation of ACMG/AMP guideline.

Ambry Genetics
Classification: Uncertain significance. Last evaluated: 2022-12-15. Review status: criteria provided, single submitter. Criteria: Ambry Variant Classification Scheme 2023. Collection method: clinical testing. Allele origin: germline.

Literature cited by the submitters: PubMed 32937143 (cited by 3billion).

NM_001377137.1(GBF1):c.3412G>A (p.Ala1138Thr)

Gene: GBF1 (golgi brefeldin A resistant guanine nucleotide exchange factor 1; plus strand). Cytogenetic location: 10q24.32.
Variant type: single nucleotide variant.
Coding change: c.3412G>A on transcript NM_001377137.1 (MANE Select); coding-DNA position 3412, G replaced by A.
Protein change: p.Ala1138Thr; replaces alanine 1138 with threonine.
Molecular consequence: missense variant. On other transcripts: non-coding transcript variant (5).
Genome position (GRCh38, 1-based): chr10:102,370,384, G>A. VCF-style: chr10-102370384-G-A. GRCh37 (hg19) VCF-style: chr10-104130141-G-A.
Other names: c.3412G>A, p.Ala1138Thr (NM_001199378.2, NM_001391923.1); c.3409G>A, p.Ala1137Thr (NM_001199379.2, NM_001377141.1, NM_001391924.1 and 3 more transcripts); c.3373G>A, p.Ala1125Thr (NM_001377138.1, NM_001391925.1); c.3115G>A, p.Ala1039Thr (NM_001377139.1, NM_001377140.1); c.3508G>A, p.Ala1170Thr (NM_001391922.1, NM_001411027.1); c.3376G>A, p.Ala1126Thr (NM_001391926.1); c.3268G>A, p.Ala1090Thr (NM_001391928.1); c.3172G>A, p.Ala1058Thr (NM_001391929.1); and 2 more; short protein forms A1058T, A1090T, A1126T, A1137T, A1011T, A1039T, A1125T, A1138T.
Identifiers: ClinVar variation 2401069 (VCV002401069.3), dbSNP rs762603335, ClinGen allele CA5663777.